The following is an entry in ClinVar:

NM_001042492.3(NF1):c.2152G>T (p.Asp718Tyr)

Gene: NF1 (neurofibromin 1; plus strand). Cytogenetic location: 17q11.2.
Variant type: single nucleotide variant.
Coding change: c.2152G>T on transcript NM_001042492.3 (MANE Select); coding-DNA position 2152, G replaced by T.
Protein change: p.Asp718Tyr; replaces aspartic acid 718 with tyrosine.
Molecular consequence: missense variant.
Genome position (GRCh38, 1-based): chr17:31,226,585, G>T. VCF-style: chr17-31226585-G-T. GRCh37 (hg19) VCF-style: chr17-29553603-G-T.
Other names: c.2152G>T, p.Asp718Tyr (NM_000267.4); short protein forms D718Y.
Identifiers: ClinVar variation 3879120 (VCV003879120.1).
Genomic context (GRCh38, chr17:31,226,585, plus strand): 5'-CCTGACACTGAAGCTGTTCTGGTTGCCATGTCCTGTTTCCGCCACCTCTGTGAGGAAGCA[G>T]ATATCCGGTGTGGGGTGGATGAAGTGTCAGTGCATAACCTCTTGCCCAACTATAACACAT-3'
Protein context (NP_001035957.1, residues 708-728): SCFRHLCEEA[Asp718Tyr]IRCGVDEVSV

ClinVar aggregate classification (germline): Uncertain significance (1 of 4 stars; one submission).

Conditions:
Cardiovascular phenotype. Identifiers: MedGen CN230736.
Hereditary cancer-predisposing syndrome. Also called: Tumor predisposition; Neoplastic Syndromes, Hereditary; Hereditary Cancer Syndrome; Hereditary neoplastic syndrome. Identifiers: Orphanet 140162, MedGen C0027672, MeSH D009386, MONDO:0015356.

Submission:

Ambry Genetics
Classification: Uncertain significance for Cardiovascular phenotype; Hereditary cancer-predisposing syndrome. Last evaluated: 2025-02-15. Review status: criteria provided, single submitter. Criteria: Ambry Variant Classification Scheme 2023. Collection method: clinical testing. Allele origin: germline.
Comment: The p.D718Y variant (also known as c.2152G>T), located in coding exon 18 of the NF1 gene, results from a G to T substitution at nucleotide position 2152. The aspartic acid at codon 718 is replaced by tyrosine, an amino acid with highly dissimilar properties. This amino acid position is conserved. In addition, this alteration is predicted to be deleterious by in silico analysis. Based on the available evidence, the clinical significance of this variant remains unclear.